The following is an entry in ClinVar:

ClinVar aggregate classification (germline): Conflicting classifications of pathogenicity. Review status: criteria provided, conflicting classifications (1 of 4 stars). 8 submissions from 8 submitters: Uncertain significance (6); Likely benign (2). Last evaluated 2025-11-26.

Conditions:
Hereditary nonpolyposis colorectal neoplasms. Identifiers: MedGen C0009405, MeSH D003123.
Lynch syndrome. Identifiers: Orphanet 144, MedGen C4552100, MONDO:0005835. Disease mechanism: loss of function.
Hereditary cancer-predisposing syndrome. Also called: Neoplastic Syndromes, Hereditary; Tumor predisposition; Hereditary Cancer Syndrome; Hereditary neoplastic syndrome. Identifiers: Orphanet 140162, MedGen C0027672, MeSH D009386, MONDO:0015356.
Mismatch repair cancer syndrome 3. Identifiers: MedGen C5436807, MONDO:0030841, OMIM 619097.
Endometrial carcinoma. Also called: Endometrial carcinoma, somatic. Identifiers: MedGen C0476089, MONDO:0002447, OMIM 608089, HP:0012114.
Lynch syndrome 5 (LYNCH5). Also called: Colorectal cancer, hereditary nonpolyposis, type 5; Hereditary non-polyposis colorectal cancer, type 5. Identifiers: Orphanet 144, MedGen C1833477, MONDO:0013710, OMIM 614350. Disease mechanism: loss of function.

gnomAD v4.1: 3 of 1,614,170 alleles (0.00019%); highest among the groups gnomAD compares: Non-Finnish European, 0.00025%; no homozygotes.

Submissions (8):

Myriad Genetics, Inc.
Classification: Likely benign for Lynch syndrome 5. Last evaluated: 2025-11-26. Review status: criteria provided, single submitter. Criteria: Myriad Autosomal Dominant, Autosomal Recessive and X-Linked Classification Criteria (2023). Collection method: clinical testing. Allele origin: unknown.
Comment: This variant is considered likely benign. This variant is strongly associated with less severe personal and family histories of cancer, typical for individuals without pathogenic variants in this gene [PMID: 27363726].

Labcorp Genetics (formerly Invitae), Labcorp
Classification: Likely benign for Hereditary nonpolyposis colorectal neoplasms. Last evaluated: 2025-10-29. Review status: criteria provided, single submitter. Criteria: Invitae Variant Classification Sherloc (09022015). Collection method: clinical testing. Allele origin: germline.

Ambry Genetics
Classification: Uncertain significance for Hereditary cancer-predisposing syndrome. Last evaluated: 2023-12-22. Review status: criteria provided, single submitter. Criteria: Ambry Variant Classification Scheme 2023. Collection method: clinical testing. Allele origin: germline.
Comment: The p.Y397S variant (also known as c.1190A>C), located in coding exon 4 of the MSH6 gene, results from an A to C substitution at nucleotide position 1190. The tyrosine at codon 397 is replaced by serine, an amino acid with dissimilar properties. This amino acid position is not well conserved in available vertebrate species. In addition, this alteration is predicted to be deleterious by in silico analysis. Since supporting evidence is limited at this time, the clinical significance of this alteration remains unclear.

Baylor Genetics
Classification: Uncertain significance for Endometrial carcinoma. Last evaluated: 2023-08-13. Review status: criteria provided, single submitter. Criteria: ACMG Guidelines, 2015. Collection method: clinical testing. Allele origin: unknown.

All of Us Research Program, National Institutes of Health
Classification: Uncertain significance for Lynch syndrome. Last evaluated: 2023-07-19. Review status: criteria provided, single submitter. Criteria: ACMG Guidelines, 2015. Collection method: clinical testing. Allele origin: germline. Inheritance: Autosomal dominant inheritance. Observed: 1 variant allele, 1 heterozygote.
Comment: This missense variant replaces tyrosine with serine at codon 397 of the MSH6 protein. Computational prediction is inconclusive regarding the impact of this variant on protein structure and function (internally defined REVEL score threshold 0.5 < inconclusive < 0.7, PMID: 27666373). To our knowledge, functional studies have not been reported for this variant. This variant has not been reported in individuals affected with MSH6-related disorders in the literature. This variant has not been identified in the general population by the Genome Aggregation Database (gnomAD). The available evidence is insufficient to determine the role of this variant in disease conclusively. Therefore, this variant is classified as a Variant of Uncertain Significance.

This study involves interpretation of variants in research participants for the purpose of population health screening. Participant phenotype was not available at the time of variant classification. Additional details can be found in publication PMID: 35346344, PMCID: PMC8962531

Color Diagnostics, LLC DBA Color Health
Classification: Uncertain significance for Hereditary cancer-predisposing syndrome. Last evaluated: 2023-06-28. Review status: criteria provided, single submitter. Criteria: ACMG Guidelines, 2015. Collection method: clinical testing. Allele origin: germline.
Comment: This missense variant replaces tyrosine with serine at codon 397 of the MSH6 protein. Computational prediction is inconclusive regarding the impact of this variant on protein structure and function (internally defined REVEL score threshold 0.5 < inconclusive < 0.7, PMID: 27666373). To our knowledge, functional studies have not been reported for this variant. This variant has not been reported in individuals affected with MSH6-related disorders in the literature. This variant has not been identified in the general population by the Genome Aggregation Database (gnomAD). The available evidence is insufficient to determine the role of this variant in disease conclusively. Therefore, this variant is classified as a Variant of Uncertain Significance.

Sema4
Classification: Uncertain significance for Hereditary cancer-predisposing syndrome. Last evaluated: 2021-10-25. Review status: criteria provided, single submitter. Criteria: Sema4 Curation Guidelines. Collection method: curation. Allele origin: germline.
Comment: To the best of our knowledge, the MSH6 c.1190A>C (p.Y397S) variant has not been reported in individuals with MSH6-related disease. It was not observed in the large and broad cohorts of the Genome Aggregation Database (PMID: 32461654). The variant has been reported in ClinVar (Variation ID 483770). Functional studies have not been performed, and in silico predictions of the variant's effect on protein function are inconclusive. The evidence is insufficient to meet ACMG/AMP criteria for classifying the variant as benign or pathogenic. Thus, the clinical significance of this variant is currently uncertain.

Department of Pathology and Laboratory Medicine, Sinai Health System
Classification: Uncertain significance for Endometrial carcinoma; Lynch syndrome 5; Mismatch repair cancer syndrome 3. Last evaluated: 2020-03-10. Review status: criteria provided, single submitter. Criteria: ACMG Guidelines, 2015. Collection method: clinical testing. Allele origin: germline. Affected: yes.

Literature cited by the submitters: PubMed 27363726 (cited by Myriad Genetics, Inc.).

NM_000179.3(MSH6):c.1190A>C (p.Tyr397Ser)

Gene: MSH6 (mutS homolog 6; plus strand). Cytogenetic location: 2p16.3.
Variant type: single nucleotide variant.
Coding change: c.1190A>C on transcript NM_000179.3 (MANE Select); coding-DNA position 1190, A replaced by C.
Protein change: p.Tyr397Ser; replaces tyrosine 397 with serine.
Molecular consequence: missense variant.
Genome position (GRCh38, 1-based): chr2:47,799,173, A>C. VCF-style: chr2-47799173-A-C. GRCh37 (hg19) VCF-style: chr2-48026312-A-C.
Other names: c.800A>C, p.Tyr267Ser (NM_001281492.2); c.284A>C, p.Tyr95Ser (NM_001281493.2, NM_001281494.2); short protein forms Y397S, Y267S, Y95S.
Identifiers: ClinVar variation 483770 (VCV000483770.23), dbSNP rs63750065, ClinGen allele CA346743347.